The following is an entry in ClinVar:

ClinVar aggregate classification (germline): Uncertain significance (1 of 4 stars; one submission).

Allele frequency attached by ClinVar (database versions not stated): gnomAD 0.00001; gnomAD exomes 0.00001.
gnomAD v4.1: 14 of 1,510,914 alleles (0.00093%); highest among the groups gnomAD compares: Non-Finnish European, 0.0013%; no homozygotes.

Submission:

Labcorp Genetics (formerly Invitae), Labcorp
Classification: Uncertain significance. Last evaluated: 2023-05-16. Review status: criteria provided, single submitter. Criteria: Invitae Variant Classification Sherloc (09022015). Collection method: clinical testing. Allele origin: germline.
Comment: This sequence change replaces glutamine, which is neutral and polar, with arginine, which is basic and polar, at codon 385 of the PNLIP protein (p.Gln385Arg). The frequency data for this variant in the population databases is considered unreliable, as metrics indicate poor data quality at this position in the gnomAD database. This variant has not been reported in the literature in individuals affected with PNLIP-related conditions. ClinVar contains an entry for this variant (Variation ID: 1977242). Advanced modeling of protein sequence and biophysical properties (such as structural, functional, and spatial information, amino acid conservation, physicochemical variation, residue mobility, and thermodynamic stability) has been performed at Invitae for this missense variant, however the output from this modeling did not meet the statistical confidence thresholds required to predict the impact of this variant on PNLIP protein function. Algorithms developed to predict the effect of sequence changes on RNA splicing suggest that this variant may create or strengthen a splice site. In summary, the available evidence is currently insufficient to determine the role of this variant in disease. Therefore, it has been classified as a Variant of Uncertain Significance.

NM_000936.4(PNLIP):c.1154A>G (p.Gln385Arg)

Gene: PNLIP (pancreatic lipase; plus strand). Cytogenetic location: 10q25.3.
Variant type: single nucleotide variant.
Coding change: c.1154A>G on transcript NM_000936.4 (MANE Select); coding-DNA position 1154, A replaced by G.
Protein change: p.Gln385Arg; replaces glutamine 385 with arginine.
Molecular consequence: missense variant.
Genome position (GRCh38, 1-based): chr10:116,560,509, A>G. VCF-style: chr10-116560509-A-G. GRCh37 (hg19) VCF-style: chr10-118320021-A-G.
Other names: short protein forms Q385R.
Identifiers: ClinVar variation 1977242 (VCV001977242.4), dbSNP rs1271122521, ClinGen allele CA378498057.
Genomic context (GRCh38, chr10:116,560,509, plus strand): 5'-GAAAAAAGGTTACAGGACACATACTAGTTTCTTTGTTCGGAAATAAAGGAAACTCTAAGC[A>G]GTATGAAATTTTCAAGTGAGTAAAATAATATTGCTCTATGCTTTTTTTTTTTTTTTTTTT-3'
Protein context (NP_000927.1, residues 375-395): SLFGNKGNSK[Gln385Arg]YEIFKGTLKP